The following is an entry in ClinVar:

ClinVar aggregate classification (germline): Conflicting classifications of pathogenicity. Review status: criteria provided, conflicting classifications (1 of 4 stars). 3 submissions from 3 submitters: Likely pathogenic (1); Uncertain significance (2). Last evaluated 2026-03-05.

Conditions:
Autosomal recessive limb-girdle muscular dystrophy type 2A (LGMDR1). Also called: Muscular dystrophy, limb-girdle, type 2A, Amish; LEYDEN-MOEBIUS MUSCULAR DYSTROPHY; MUSCULAR DYSTROPHY, PELVOFEMORAL; Limb-girdle muscular dystrophy, type 2A; Calpainopathy. Identifiers: Orphanet 267, MedGen C1869123, MONDO:0009675, OMIM 253600. Disease mechanism: loss of function.
Autosomal recessive limb-girdle muscular dystrophy. Identifiers: Orphanet 102015, MedGen C2931907, MONDO:0015152.

Allele frequency attached by ClinVar (database versions not stated): gnomAD 0.00013 and 0.00016; TOPMed 0.00026.
gnomAD v4.1: 225 of 864,538 alleles (0.026%); highest among the groups gnomAD compares: Middle Eastern, 0.068%; 1 homozygote.

Submissions (3):

Broad Center for Mendelian Genomics, Broad Institute of MIT and Harvard
Classification: Likely pathogenic for Autosomal recessive limb-girdle muscular dystrophy. Last evaluated: 2026-03-05. Review status: criteria provided, single submitter. Criteria: ACMG Guidelines, 2015. Collection method: research. Allele origin: germline. Inheritance: Autosomal recessive inheritance. Study: GREGoR Consortium.
Comment: The c. *534T>C variant in CAPN3 has been reported in the compound heterozygous state in at least 6 individuals with autosomal recessive limb-girdle muscular dystrophy (Daniel Natera de Benito, personal communication). The variant was also identified through WGS in compound heterozygosity with a pathogenic variant in an individual with limb-girdle muscular dystrophy and myopathy with calpain-3 deficiency on muscle biopsy (Broad Institute Rare Genomes Project). Furthermore, the c. *534T>C variant segregated with disease in 2 additional affected siblings from the same family. It has also been identified in 0.4% (78/20356) of Ashkenazi Jewish chromosomes by gnomAD and has been reported in ClinVar (Variation ID 315905). In summary, although additional studies are required to fully establish its clinical significance, this variant meets criteria to be classified as likely pathogenic for autosomal recessive limb-girdle muscular dystrophy. ACMG/AMP Criteria applied: PM3_Strong, PPl, PP4.

Illumina Laboratory Services, Illumina
Classification: Uncertain significance for Limb-girdle muscular dystrophy, type 2A. Last evaluated: 2018-01-13. Review status: criteria provided, single submitter. Criteria: ICSL Variant Classification Criteria 13 December 2019. Collection method: clinical testing. Allele origin: germline.

Breakthrough Genomics
Classification: Uncertain significance. Review status: criteria provided, single submitter. Criteria: ACMG Guidelines, 2015. Collection method: not provided. Allele origin: germline. Inheritance: Autosomal recessive inheritance. Affected: yes.

NM_000070.3(CAPN3):c.*534T>C

Gene: CAPN3 (calpain 3; plus strand). Cytogenetic location: 15q15.1.
Variant type: single nucleotide variant.
Coding change: c.*534T>C on transcript NM_000070.3 (MANE Select); 534 bases downstream of the stop codon, T replaced by C.
Molecular consequence: 3 prime UTR variant.
Genome position (GRCh38, 1-based): chr15:42,412,307, T>C. VCF-style: chr15-42412307-T-C. GRCh37 (hg19) VCF-style: chr15-42704505-T-C.
Other names: c.*534T>C (NM_024344.2, NM_173087.2, NM_173088.2 and 2 more transcripts).
Identifiers: ClinVar variation 315905 (VCV000315905.10), dbSNP rs772498665, ClinGen allele CA10641827.